The following is an entry in ClinVar:

NM_000077.5(CDKN2A):c.458-67G>A

Gene: CDKN2A (cyclin dependent kinase inhibitor 2A; minus strand). Cytogenetic location: 9p21.3.
Variant type: single nucleotide variant.
Coding change: c.458-67G>A on transcript NM_000077.5 (MANE Select); 67 bases into the intron before coding-DNA position 458, G replaced by A.
Molecular consequence: intron variant.
Genome position (GRCh38, 1-based): chr9:21,968,309, C>T on the plus strand (G>A on the coding strand, the complement: CDKN2A is on the minus strand). VCF-style: chr9-21968309-C-T. GRCh37 (hg19) VCF-style: chr9-21968308-C-T.
Other names: c.305-67G>A (NM_001363763.2); c.*102-67G>A (NM_058195.4); c.*151-67G>A (NM_001195132.2); c.*381-67G>A (NM_058197.5).
Identifiers: ClinVar variation 4294290 (VCV004294290.1).

ClinVar aggregate classification (germline): Benign (1 of 4 stars; one submission).

Conditions:
Melanoma-pancreatic cancer syndrome. Identifiers: Orphanet 404560, MedGen C1838547, MONDO:0011713, OMIM 606719. Disease mechanism: loss of function.

gnomAD v4.1: 2 of 1,586,684 alleles (0.00013%); highest among the groups gnomAD compares: Non-Finnish European, 0.00017%; no homozygotes.

Submission:

Myriad Genetics, Inc.
Classification: Benign for Melanoma-pancreatic cancer syndrome. Last evaluated: 2025-08-18. Review status: criteria provided, single submitter. Criteria: Myriad Autosomal Dominant, Autosomal Recessive and X-Linked Classification Criteria (2023). Collection method: clinical testing. Allele origin: unknown.
Comment: This variant is considered benign. This variant is intronic and is not expected to impact mRNA splicing.